The following is an entry in ClinVar:

NM_001191061.2(SLC25A22):c.20+5G>A

Gene: SLC25A22 (solute carrier family 25 member 22; minus strand). Cytogenetic location: 11p15.5.
Variant type: single nucleotide variant.
Coding change: c.20+5G>A on transcript NM_001191061.2 (MANE Select); 5 bases into the intron after coding-DNA position 20, G replaced by A.
Molecular consequence: intron variant.
Genome position (GRCh38, 1-based): chr11:794,982, C>T on the plus strand (G>A on the coding strand, the complement: SLC25A22 is on the minus strand). VCF-style: chr11-794982-C-T. GRCh37 (hg19) VCF-style: chr11-794982-C-T.
Other names: c.20+5G>A (NM_001191060.2, NM_024698.6).
Identifiers: ClinVar variation 1016841 (VCV001016841.3), dbSNP rs1864728028, ClinGen allele CA1947307793.

ClinVar aggregate classification (germline): Uncertain significance (1 of 4 stars; one submission).

Conditions:
Developmental and epileptic encephalopathy. Identifiers: MedGen C5779964, MONDO:0100620.

Submission:

Labcorp Genetics (formerly Invitae), Labcorp
Classification: Uncertain significance for Early-infantile DEE. Last evaluated: 2020-02-04. Review status: criteria provided, single submitter. Criteria: Invitae Variant Classification Sherloc (09022015). Collection method: clinical testing. Allele origin: germline.
Comment: This sequence change falls in intron 2 of the SLC25A22 gene. It does not directly change the encoded amino acid sequence of the SLC25A22 protein, but it affects a nucleotide within the consensus splice site of the intron. This variant is not present in population databases (ExAC no frequency). This variant has not been reported in the literature in individuals with SLC25A22-related conditions. Nucleotide substitutions within the consensus splice site are a relatively common cause of aberrant splicing (PMID: 17576681, 9536098). Algorithms developed to predict the effect of sequence changes on RNA splicing suggest that this variant may disrupt the consensus splice site, but this prediction has not been confirmed by published transcriptional studies. In summary, the available evidence is currently insufficient to determine the role of this variant in disease. Therefore, it has been classified as a Variant of Uncertain Significance.

Literature cited by the submitters: PubMed 17576681; PubMed 9536098.